The following is an entry in ClinVar:

NM_004568.6(SERPINB6):c.1097G>A (p.Gly366Glu)

Gene: SERPINB6 (serpin family B member 6; minus strand). Cytogenetic location: 6p25.2.
Variant type: single nucleotide variant.
Coding change: c.1097G>A on transcript NM_004568.6 (MANE Select); coding-DNA position 1097, G replaced by A.
Protein change: p.Gly366Glu; replaces glycine 366 with glutamic acid.
Molecular consequence: missense variant. On other transcripts: non-coding transcript variant (1).
Genome position (GRCh38, 1-based): chr6:2,948,332, C>T on the plus strand (G>A on the coding strand, the complement: SERPINB6 is on the minus strand). VCF-style: chr6-2948332-C-T. GRCh37 (hg19) VCF-style: chr6-2948566-C-T.
Other names: c.1109G>A, p.Gly370Glu (NM_001195291.3, NM_001374515.1); c.1139G>A, p.Gly380Glu (NM_001271822.2); c.1154G>A, p.Gly385Glu (NM_001271823.2); c.1097G>A, p.Gly366Glu (NM_001271824.2, NM_001271825.2, NM_001297699.2 and 2 more transcripts); c.965G>A, p.Gly322Glu (NM_001374517.1); short protein forms G380E, G366E, G370E, G322E, G385E.
Identifiers: ClinVar variation 2810322 (VCV002810322.3), dbSNP rs760282663, ClinGen allele CA362577318.
Genomic context (GRCh38, chr6:2,948,332, plus strand): 5'-GGCTGCACACCAAGACTGCCCTGTCCTCACGGAGAGGAAAAGCGGCCGCAGAAGAGAATC[C>T]CGTTGGTCTTGCTGTGCTGGATGAAGAAAAGGAAGGGGTGGTCGGCGCAGAAGCGGGGGA-3'
Protein context (NP_004559.4, residues 356-376): LFFIQHSKTN[Gly366Glu]ILFCGRFSSP

ClinVar aggregate classification (germline): Uncertain significance (1 of 4 stars; one submission).

gnomAD v4.1: 3 of 1,614,062 alleles (0.00019%); highest among the groups gnomAD compares: Non-Finnish European, 0.00025%; no homozygotes.

Submission:

Labcorp Genetics (formerly Invitae), Labcorp
Classification: Uncertain significance. Last evaluated: 2022-10-28. Review status: criteria provided, single submitter. Criteria: Invitae Variant Classification Sherloc (09022015). Collection method: clinical testing. Allele origin: germline.
Comment: In summary, the available evidence is currently insufficient to determine the role of this variant in disease. Therefore, it has been classified as a Variant of Uncertain Significance. Advanced modeling of protein sequence and biophysical properties (such as structural, functional, and spatial information, amino acid conservation, physicochemical variation, residue mobility, and thermodynamic stability) performed at Invitae indicates that this missense variant is not expected to disrupt SERPINB6 protein function. This variant has not been reported in the literature in individuals affected with SERPINB6-related conditions. This variant is not present in population databases (gnomAD no frequency). This sequence change replaces glycine, which is neutral and non-polar, with glutamic acid, which is acidic and polar, at codon 366 of the SERPINB6 protein (p.Gly366Glu).